The following is an entry in ClinVar:

NM_201384.3(PLEC):c.3103G>T (p.Gly1035Trp)

Gene: PLEC (plectin; minus strand). Cytogenetic location: 8q24.3.
Variant type: single nucleotide variant.
Coding change: c.3103G>T on transcript NM_201384.3 (MANE Select); coding-DNA position 3103, G replaced by T.
Protein change: p.Gly1035Trp; replaces glycine 1035 with tryptophan.
Molecular consequence: missense variant.
Genome position (GRCh38, 1-based): chr8:143,929,260, C>A on the plus strand (G>T on the coding strand, the complement: PLEC is on the minus strand). VCF-style: chr8-143929260-C-A. GRCh37 (hg19) VCF-style: chr8-145003428-C-A.
Other names: c.3184G>T, p.Gly1062Trp (NM_000445.5, NM_001410941.1); c.3061G>T, p.Gly1021Trp (NM_201378.4); c.3037G>T, p.Gly1013Trp (NM_201379.3); c.3514G>T, p.Gly1172Trp (NM_201380.4); c.3007G>T, p.Gly1003Trp (NM_201381.3); c.3103G>T, p.Gly1035Trp (NM_201382.4); c.3115G>T, p.Gly1039Trp (NM_201383.3); short protein forms G1003W, G1013W, G1021W, G1035W, G1039W, G1062W, G1172W.
Identifiers: ClinVar variation 4079746 (VCV004079746.2).

ClinVar aggregate classification (germline): Uncertain significance. Review status: criteria provided, multiple submitters, no conflicts (2 of 4 stars). 2 submissions from 2 submitters: Uncertain significance (2). Last evaluated 2025-11-22.

Conditions:
Epidermolysis bullosa simplex 5B, with muscular dystrophy (EBS5B). Also called: EPIDERMOLYSIS BULLOSA SIMPLEX AND LIMB-GIRDLE MUSCULAR DYSTROPHY; Epidermolysis bullosa simplex with muscular dystrophy. Identifiers: Orphanet 257, MedGen C2931072, MONDO:0009181, OMIM 226670.
Epidermolysis bullosa simplex, Ogna type (EBS5A). Also called: EPIDERMOLYSIS BULLOSA SIMPLEX 5A, OGNA TYPE; Pidermolysis bullosa simplex 5A, Ogna type. Identifiers: Orphanet 79401, MedGen C0432317, MONDO:0007555, OMIM 131950.
Epidermolysis bullosa simplex with nail dystrophy (EBS5D). Identifiers: MedGen C4225309, MONDO:0014661, OMIM 616487.
Autosomal recessive limb-girdle muscular dystrophy type 2Q (LGMDR17). Also called: MUSCULAR DYSTROPHY, LIMB-GIRDLE, AUTOSOMAL RECESSIVE 17. Identifiers: Orphanet 254361, MedGen C3150989, MONDO:0013390, OMIM 613723.
Epidermolysis bullosa simplex 5C, with pyloric atresia (EBS5C). Also called: PLEC-Related Epidermolysis Bullosa with Pyloric Atresia; Epidermolysis bullosa simplex with pyloric atresia; PLEC1-Related Epidermolysis Bullosa with Pyloric Atresia. Identifiers: Orphanet 158684, MedGen C2677349, MONDO:0012807, OMIM 612138.

gnomAD v4.1: 101 of 1,601,450 alleles (0.0063%); highest among the groups gnomAD compares: Non-Finnish European, 0.0084%; no homozygotes.

Submissions (2):

Labcorp Genetics (formerly Invitae), Labcorp
Classification: Uncertain significance for Autosomal recessive limb-girdle muscular dystrophy type 2Q; Epidermolysis bullosa simplex, Ogna type; Epidermolysis bullosa simplex with nail dystrophy; Epidermolysis bullosa simplex 5C, with pyloric atresia; Epidermolysis bullosa simplex 5B, with muscular dystrophy. Last evaluated: 2025-11-22. Review status: criteria provided, single submitter. Criteria: Invitae Variant Classification Sherloc (09022015). Collection method: clinical testing. Allele origin: germline.
Comment: This sequence change replaces glycine, which is neutral and non-polar, with tryptophan, which is neutral and slightly polar, at codon 1062 of the PLEC protein (p.Gly1062Trp). This variant is present in population databases (rs782013905, gnomAD 0.005%). This variant has not been reported in the literature in individuals affected with PLEC-related conditions. ClinVar contains an entry for this variant (Variation ID: 4079746). Experimental studies and prediction algorithms are not available or were not evaluated, and the functional significance of this variant is currently unknown. In summary, the available evidence is currently insufficient to determine the role of this variant in disease. Therefore, it has been classified as a Variant of Uncertain Significance.

Revvity Omics, Revvity
Classification: Uncertain significance. Last evaluated: 2025-06-19. Review status: criteria provided, single submitter. Criteria: ACMG Guidelines, 2015. Collection method: clinical testing. Allele origin: germline.